The following is an entry in ClinVar:

NM_001242896.3(DEPDC5):c.2725T>G (p.Ser909Ala)

Gene: DEPDC5 (DEP domain containing 5, GATOR1 subcomplex subunit; plus strand). Cytogenetic location: 22q12.3.
Variant type: single nucleotide variant.
Coding change: c.2725T>G on transcript NM_001242896.3 (MANE Select); coding-DNA position 2725, T replaced by G.
Protein change: p.Ser909Ala; replaces serine 909 with alanine.
Molecular consequence: missense variant. On other transcripts: non-coding transcript variant (5).
Genome position (GRCh38, 1-based): chr22:31,843,736, T>G. VCF-style: chr22-31843736-T-G. GRCh37 (hg19) VCF-style: chr22-32239722-T-G.
Other names: c.2698T>G (NM_001136029.3); c.2698T>G, p.Ser900Ala (NM_001136029.4, NM_001369903.1, NM_014662.6); c.2491T>G, p.Ser831Ala (NM_001242897.2, NM_001363854.2, NM_001364319.2); c.2725T>G, p.Ser909Ala (NM_001363852.2, NM_001364318.2, NM_001364320.2); c.2641T>G, p.Ser881Ala (NM_001369901.1, NM_001369902.1); short protein forms S831A, S900A, S881A, S909A.
Identifiers: ClinVar variation 2124693 (VCV002124693.5), dbSNP rs2520120376, ClinGen allele CA411289908.
Genomic context (GRCh38, chr22:31,843,736, plus strand): 5'-ACCTACAGCCTCTGTCCTTCCCACTCAGACTCAGAGTTCGTCTCCTGCTGGGTGGAATTC[T>G]CCCACGAACGGCTGGAGGAGTACAAGTGGAATTACTTAGATCAGTATATCTGTTCTGCCG-3'
Protein context (NP_001229825.1, residues 899-919): SEFVSCWVEF[Ser909Ala]HERLEEYKWN

ClinVar aggregate classification (germline): Uncertain significance. Review status: criteria provided, multiple submitters, no conflicts (2 of 4 stars). 2 submissions from 2 submitters: Uncertain significance (2). Last evaluated 2022-06-13.

Conditions:
Familial focal epilepsy with variable foci (FPEVF). Identifiers: Orphanet 98820, MedGen C1858477, MONDO:0020310.
Epilepsy, familial focal, with variable foci 1 (FFEVF1). Also called: DEPDC5-Related Epilepsy. Identifiers: MedGen C4551983, MONDO:0024556, OMIM 604364.

Submissions (2):

Baylor Genetics
Classification: Uncertain significance for Epilepsy, familial focal, with variable foci 1. Last evaluated: 2022-06-13. Review status: criteria provided, single submitter. Criteria: ACMG Guidelines, 2015. Collection method: clinical testing. Allele origin: unknown.

Labcorp Genetics (formerly Invitae), Labcorp
Classification: Uncertain significance for Familial focal epilepsy with variable foci. Last evaluated: 2022-04-11. Review status: criteria provided, single submitter. Criteria: Invitae Variant Classification Sherloc (09022015). Collection method: clinical testing. Allele origin: germline.
Comment: This variant has not been reported in the literature in individuals affected with DEPDC5-related conditions. In summary, the available evidence is currently insufficient to determine the role of this variant in disease. Therefore, it has been classified as a Variant of Uncertain Significance. Algorithms developed to predict the effect of missense changes on protein structure and function are either unavailable or do not agree on the potential impact of this missense change (SIFT: "Tolerated"; PolyPhen-2: "Not Available"; Align-GVGD: "Class C0"). This variant is not present in population databases (gnomAD no frequency). This sequence change replaces serine, which is neutral and polar, with alanine, which is neutral and non-polar, at codon 909 of the DEPDC5 protein (p.Ser909Ala).